The following is an entry in ClinVar:

ClinVar aggregate classification (germline): Benign. Review status: criteria provided, multiple submitters, no conflicts (2 of 4 stars). 2 submissions from 2 submitters: Benign (2). Last evaluated 2023-11-12.

Allele frequency attached by ClinVar (database versions not stated): gnomAD exomes 0.30939; 1000 Genomes Project 0.38958; 1000 Genomes Project 30x 0.40147; gnomAD 0.41935 and 0.43273; TOPMed 0.44113.
gnomAD v4.1: 233,549 of 698,714 alleles (33%); highest among the groups gnomAD compares: African/African-American, 72%; 45,691 homozygotes.

Submissions (2):

Unidad de Genómica Garrahan, Hospital de Pediatría Garrahan
Classification: Benign. Last evaluated: 2023-11-12. Review status: criteria provided, single submitter. Criteria: ACMG Guidelines, 2015. Collection method: clinical testing. Allele origin: germline. Affected: no. Observed: 44 variant alleles.
Comment: This variant is classified as Benign based on local population frequency. This variant was detected in 46% of patients studied by a panel of primary immunodeficiencies. Number of patients: 44. Only high quality variants are reported.

GeneDx
Classification: Benign. Last evaluated: 2021-05-14. Review status: criteria provided, single submitter. Criteria: GeneDx Variant Classification Process June 2021. Collection method: clinical testing. Allele origin: germline. Affected: yes.

NM_002661.5(PLCG2):c.3198+149T>C

Gene: PLCG2 (phospholipase C gamma 2; plus strand). Cytogenetic location: 16q23.3.
Variant type: single nucleotide variant.
Coding change: c.3198+149T>C on transcript NM_002661.5 (MANE Select); 149 bases into the intron after coding-DNA position 3198, T replaced by C.
Molecular consequence: intron variant.
Genome position (GRCh38, 1-based): chr16:81,938,052, T>C. VCF-style: chr16-81938052-T-C. GRCh37 (hg19) VCF-style: chr16-81971657-T-C.
Identifiers: ClinVar variation 1252511 (VCV001252511.4), dbSNP rs4611451, ClinGen allele CA14303803.